The following is an entry in ClinVar:

ClinVar aggregate classification (germline): Conflicting classifications of pathogenicity. Review status: criteria provided, conflicting classifications (1 of 4 stars). 6 submissions from 6 submitters: Uncertain significance (3); Benign (1). 2 of the submissions do not count toward it. Last evaluated 2025-11-11.

Conditions:
Hereditary cancer-predisposing syndrome. Also called: Neoplastic Syndromes, Hereditary; Hereditary Cancer Syndrome; Hereditary neoplastic syndrome; Tumor predisposition. Identifiers: Orphanet 140162, MedGen C0027672, MeSH D009386, MONDO:0015356.
Multiple endocrine neoplasia, type 1 (MEN1). Also called: MEN I; WERMER SYNDROME; Endocrine adenomatosis multiple; MEN 1; MEA I. Identifiers: Orphanet 652, MedGen C0025267, MeSH D018761, MONDO:0007540, OMIM 131100.

Allele frequency attached by ClinVar (database versions not stated): gnomAD exomes below 0.00001.
gnomAD v4.1: 8 of 1,613,948 alleles (0.0005%); highest among the groups gnomAD compares: Non-Finnish European, 0.00042%; no homozygotes.

Submissions (6):

Labcorp Genetics (formerly Invitae), Labcorp
Classification: Benign for Multiple endocrine neoplasia, type 1. Last evaluated: 2025-11-11. Review status: criteria provided, single submitter. Criteria: Invitae Variant Classification Sherloc (09022015). Collection method: clinical testing. Allele origin: germline.

Color Diagnostics, LLC DBA Color Health
Classification: Uncertain significance for Multiple endocrine neoplasia, type 1. Last evaluated: 2025-08-05. Review status: criteria provided, single submitter. Criteria: ACMG Guidelines, 2015. Collection method: clinical testing. Allele origin: germline.
Comment: This missense variant replaces proline with serine at codon 544 of the MEN1 protein. Computational prediction is inconclusive regarding the impact of this variant on protein structure and function. To our knowledge, functional studies have not been reported for this variant. This variant has been reported in an individual affected with at least three MEN1-associated lesions (PMID: 10849016). This variant has been identified in 1/251152 chromosomes in the general population by the Genome Aggregation Database (gnomAD). The available evidence is insufficient to determine the role of this variant in disease conclusively. Therefore, this variant is classified as a Variant of Uncertain Significance.

Ambry Genetics
Classification: Uncertain significance for Hereditary cancer-predisposing syndrome. Last evaluated: 2025-06-16. Review status: criteria provided, single submitter. Criteria: Ambry Variant Classification Scheme 2023. Collection method: clinical testing. Allele origin: germline.
Comment: The p.P544S variant (also known as c.1630C>T), located in coding exon 9 of the MEN1 gene, results from a C to T substitution at nucleotide position 1630. The proline at codon 544 is replaced by serine, an amino acid with similar properties. This variant (designated as C>>T at 1740) has been reported in a patient with multiple endocrine neoplasia type 1 (MEN1) (Roijers JF et al. Eur J Clin Invest, 2000 Jun;30:487-92). This amino acid position is highly conserved in available vertebrate species. In addition, this alteration is predicted to be deleterious by in silico analysis. Based on the available evidence, the clinical significance of this variant remains unclear.

Clinical Genetics Laboratory, Skane University Hospital Lund
Classification: Uncertain significance. Last evaluated: 2022-12-15. Review status: criteria provided, single submitter. Criteria: ACMG Guidelines, 2015. Collection method: clinical testing. Allele origin: germline. Affected: yes.

Diagnostic Laboratory, Department of Genetics, University Medical Center Groningen
Classification: Uncertain significance. Review status: no assertion criteria provided. Collection method: clinical testing. Allele origin: germline. Affected: yes. Study: VKGL Data-share Consensus. Not counted in ClinVar's aggregate classification.

Genome Diagnostics Laboratory, University Medical Center Utrecht
Classification: Uncertain significance. Review status: no assertion criteria provided. Collection method: clinical testing. Allele origin: germline. Affected: yes. Study: VKGL Data-share Consensus. Not counted in ClinVar's aggregate classification.

Literature cited by the submitters: PubMed 10849016 (cited by Color Diagnostics, LLC DBA Color Health and Ambry Genetics).

NM_001370259.2(MEN1):c.1630C>T (p.Pro544Ser)

Gene: MEN1 (menin 1; minus strand). Cytogenetic location: 11q13.1.
Variant type: single nucleotide variant.
Coding change: c.1630C>T on transcript NM_001370259.2 (MANE Select); coding-DNA position 1630, C replaced by T.
Protein change: p.Pro544Ser; replaces proline 544 with serine.
Molecular consequence: missense variant.
Genome position (GRCh38, 1-based): chr11:64,804,537, G>A on the plus strand (C>T on the coding strand, the complement: MEN1 is on the minus strand). VCF-style: chr11-64804537-G-A. GRCh37 (hg19) VCF-style: chr11-64572009-G-A.
Other names: c.1645C>T, p.Pro549Ser (NM_000244.4, NM_130800.3, NM_130801.3 and 3 more transcripts); c.1756C>T, p.Pro586Ser (NM_001370251.2); c.1630C>T, p.Pro544Ser (NM_001370260.2, NM_001370261.2, NM_130799.3); c.1525C>T, p.Pro509Ser (NM_001370262.2, NM_001370263.2); short protein forms P586S, P549S, P509S, P544S.
Identifiers: ClinVar variation 847015 (VCV000847015.16), dbSNP rs1387157979, ClinGen allele CA381178006.